The following is an entry in ClinVar:

NM_004304.5(ALK):c.4735T>G (p.Cys1579Gly)

Gene: ALK (ALK receptor tyrosine kinase; minus strand). Cytogenetic location: 2p23.2.
Variant type: single nucleotide variant.
Coding change: c.4735T>G on transcript NM_004304.5 (MANE Select); coding-DNA position 4735, T replaced by G.
Protein change: p.Cys1579Gly; replaces cysteine 1579 with glycine.
Molecular consequence: missense variant.
Genome position (GRCh38, 1-based): chr2:29,193,352, A>C on the plus strand (T>G on the coding strand, the complement: ALK is on the minus strand). VCF-style: chr2-29193352-A-C. GRCh37 (hg19) VCF-style: chr2-29416218-A-C.
Other names: c.1531T>G, p.Cys511Gly (NM_001353765.2); short protein forms C1579G, C511G.
Identifiers: ClinVar variation 3728997 (VCV003728997.2).

ClinVar aggregate classification (germline): Uncertain significance (1 of 4 stars; one submission).

Conditions:
Neuroblastoma, susceptibility to, 3. Also called: ALK-Related Neuroblastic Tumor Susceptibility. Identifiers: Orphanet 635, MedGen C2751681, MONDO:0013083, OMIM 613014.

Submission:

Labcorp Genetics (formerly Invitae), Labcorp
Classification: Uncertain significance for Neuroblastoma, susceptibility to, 3. Last evaluated: 2025-01-14. Review status: criteria provided, single submitter. Criteria: Invitae Variant Classification Sherloc (09022015). Collection method: clinical testing. Allele origin: germline.
Comment: This sequence change replaces cysteine, which is neutral and slightly polar, with glycine, which is neutral and non-polar, at codon 1579 of the ALK protein (p.Cys1579Gly). This variant is not present in population databases (gnomAD no frequency). This variant has not been reported in the literature in individuals affected with ALK-related conditions. An algorithm developed to predict the effect of missense changes on protein structure and function (PolyPhen-2) suggests that this variant is likely to be disruptive. In summary, the available evidence is currently insufficient to determine the role of this variant in disease. Therefore, it has been classified as a Variant of Uncertain Significance.